The following is an entry in ClinVar:

NM_023110.3(FGFR1):c.645C>G (p.Ile215Met)

Gene: FGFR1 (fibroblast growth factor receptor 1; minus strand). Cytogenetic location: 8p11.23.
Variant type: single nucleotide variant.
Coding change: c.645C>G on transcript NM_023110.3 (MANE Select); coding-DNA position 645, C replaced by G.
Protein change: p.Ile215Met; replaces isoleucine 215 with methionine.
Molecular consequence: missense variant.
Genome position (GRCh38, 1-based): chr8:38,426,222, G>C on the plus strand (C>G on the coding strand, the complement: FGFR1 is on the minus strand). VCF-style: chr8-38426222-G-C. GRCh37 (hg19) VCF-style: chr8-38283740-G-C.
Other names: c.378C>G, p.Ile126Met (NM_001174066.2, NM_023105.3); c.738C>G, p.Ile246Met (NM_001174067.2); c.639C>G, p.Ile213Met (NM_001354367.2, NM_001354369.2, NM_001410922.1 and 2 more transcripts); c.372C>G, p.Ile124Met (NM_001354368.2, NM_001354370.2, NM_023106.3); c.645C>G, p.Ile215Met (NM_001174063.2); c.621C>G, p.Ile207Met (NM_001174064.2); short protein forms I124M, I126M, I207M, I213M, I215M, I246M.
Identifiers: ClinVar variation 4855198 (VCV004855198.1).
Genomic context (GRCh38, chr8:38,426,222, plus strand): 5'-CTCATTCTCCACAATGCAGGTGTAGTTGCCCTTGTCAGAGGGCACCACAGAGTCCATTAT[G>C]ATGCTCCAGGTGGCATAACGGACCTGAGGGGAAATGCCAAAGGGATACATTGAGGGTCCA-3'
Protein context (NP_075598.2, residues 205-225): GYKVRYATWS[Ile215Met]IMDSVVPSDK

ClinVar aggregate classification (germline): Uncertain significance (1 of 4 stars; one submission).

Conditions:
Osteoglophonic dysplasia (OGD). Also called: Osteoglophonic dwarfism. Identifiers: Orphanet 2645, MedGen C0432283, MONDO:0008150, OMIM 166250.

Submission:

3billion
Classification: Uncertain significance for Osteoglophonic dysplasia. Last evaluated: 2025-12-02. Review status: criteria provided, single submitter. Criteria: ACMG Guidelines, 2015. Collection method: clinical testing. Allele origin: germline. Affected: yes.
Comment: The variant is not observed in the gnomAD v4.1.0 dataset. Predicted Consequence/Location: Missense variant In silico tool predictions suggest damaging effect of the variant on gene or gene product [3Cnet: 0.97 (> 0.75, sensitivity 0.96 and precision 0.92)]. Different missense changes at the same codon have been reported as of uncertain significance (ClinVar ID: VCV003754221). Therefore, this variant is classified as VUS according to the recommendation of ACMG/AMP guideline.